The following is an entry in ClinVar:

ClinVar aggregate classification (germline): Uncertain significance. Review status: criteria provided, multiple submitters, no conflicts (2 of 4 stars). 4 submissions from 4 submitters: Uncertain significance (4). Last evaluated 2025-01-11.

Conditions:
Hereditary cancer-predisposing syndrome. Also called: Neoplastic Syndromes, Hereditary; Hereditary Cancer Syndrome; Tumor predisposition; Hereditary neoplastic syndrome. Identifiers: Orphanet 140162, MedGen C0027672, MeSH D009386, MONDO:0015356.
Retinoblastoma (RB1). Also called: RETINOBLASTOMA, SOMATIC. Identifiers: Orphanet 790, MedGen C0035335, MeSH D012175, MONDO:0008380, OMIM 180200, HP:0009919. Disease mechanism: loss of function. Inheritance: Both sporadic and heritable forms are tested..

Submissions (4):

Ambry Genetics
Classification: Uncertain significance for Hereditary cancer-predisposing syndrome. Last evaluated: 2025-01-11. Review status: criteria provided, single submitter. Criteria: Ambry Variant Classification Scheme 2023. Collection method: clinical testing. Allele origin: germline.
Comment: The p.D32N variant (also known as c.94G>A), located in coding exon 1 of the RB1 gene, results from a G to A substitution at nucleotide position 94. The aspartic acid at codon 32 is replaced by asparagine, an amino acid with highly similar properties. This amino acid position is well conserved in available vertebrate species. In addition, this alteration is predicted to be tolerated by in silico analysis. Since supporting evidence is limited at this time, the clinical significance of this alteration remains unclear.

Labcorp Genetics (formerly Invitae), Labcorp
Classification: Uncertain significance for Retinoblastoma. Last evaluated: 2024-04-29. Review status: criteria provided, single submitter. Criteria: Invitae Variant Classification Sherloc (09022015). Collection method: clinical testing. Allele origin: germline.
Comment: This sequence change replaces aspartic acid, which is acidic and polar, with asparagine, which is neutral and polar, at codon 32 of the RB1 protein (p.Asp32Asn). This variant is not present in population databases (gnomAD no frequency). This variant has not been reported in the literature in individuals affected with RB1-related conditions. ClinVar contains an entry for this variant (Variation ID: 639029). Advanced modeling of protein sequence and biophysical properties (such as structural, functional, and spatial information, amino acid conservation, physicochemical variation, residue mobility, and thermodynamic stability) has been performed at Invitae for this missense variant, however the output from this modeling did not meet the statistical confidence thresholds required to predict the impact of this variant on RB1 protein function. In summary, the available evidence is currently insufficient to determine the role of this variant in disease. Therefore, it has been classified as a Variant of Uncertain Significance.

All of Us Research Program, National Institutes of Health
Classification: Uncertain significance for Retinoblastoma. Last evaluated: 2023-09-17. Review status: criteria provided, single submitter. Criteria: ACMG Guidelines, 2015. Collection method: clinical testing. Allele origin: germline. Inheritance: Autosomal dominant inheritance. Observed: 1 variant allele, 1 heterozygote.
Comment: This missense variant replaces aspartic acid with asparagine at codon 32 of the RB1 protein. Computational prediction suggests that this variant may not impact protein structure and function (internally defined REVEL score threshold <= 0.5, PMID: 27666373). To our knowledge, functional studies have not been reported for this variant. This variant has not been reported in individuals affected with RB1-related disorders in the literature. This variant has not been identified in the general population by the Genome Aggregation Database (gnomAD). The available evidence is insufficient to determine the role of this variant in disease conclusively. Therefore, this variant is classified as a Variant of Uncertain Significance.

This study involves interpretation of variants in research participants for the purpose of population health screening. Participant phenotype was not available at the time of variant classification. Additional details can be found in publication PMID: 35346344, PMCID: PMC8962531

CeGaT Center for Human Genetics Tuebingen
Classification: Uncertain significance. Last evaluated: 2019-10-01. Review status: criteria provided, single submitter. Criteria: CeGaT Center For Human Genetics Tuebingen Variant Classification Criteria Version 2. Collection method: clinical testing. Allele origin: germline. Affected: yes. Observed: 1 variant allele.

NM_000321.3(RB1):c.94G>A (p.Asp32Asn)

Gene: RB1 (RB transcriptional corepressor 1; plus strand). Cytogenetic location: 13q14.2.
Variant type: single nucleotide variant.
Coding change: c.94G>A on transcript NM_000321.3 (MANE Select); coding-DNA position 94, G replaced by A.
Protein change: p.Asp32Asn; replaces aspartic acid 32 with asparagine.
Molecular consequence: missense variant.
Genome position (GRCh38, 1-based): chr13:48,304,006, G>A. VCF-style: chr13-48304006-G-A. GRCh37 (hg19) VCF-style: chr13-48878142-G-A.
Other names: short protein forms D32N.
Identifiers: ClinVar variation 639029 (VCV000639029.50), dbSNP rs1593412219, ClinGen allele CA388250310.
Genomic context (GRCh38, chr13:48,304,006, plus strand): 5'-ACCGCCGCCGCTGCCGCCGCGGAACCCCCGGCACCGCCGCCGCCGCCCCCTCCTGAGGAG[G>A]ACCCAGAGCAGGACAGCGGCCCGGAGGACCTGCCTCTCGTCAGGTGAGCGAGCAGAGCCG-3'
Protein context (NP_000312.2, residues 22-42): APPPPPPPEE[Asp32Asn]PEQDSGPEDL